The following is an entry in ClinVar:

ClinVar aggregate classification (germline): Uncertain significance. Review status: criteria provided, single submitter (1 of 4 stars). 2 submissions from 2 submitters: Uncertain significance (1). 1 of the submissions does not count toward it. Last evaluated 2022-07-05.

Conditions:
Autosomal recessive nonsyndromic hearing loss 18A. Also called: DEAFNESS, AUTOSOMAL RECESSIVE 18; Deafness, autosomal recessive 18A. Identifiers: Orphanet 90636, MedGen C1865870, MONDO:0011192, OMIM 602092.
Usher syndrome type 1C. Also called: USHER SYNDROME, TYPE I, ACADIAN VARIETY. Identifiers: Orphanet 231169, Orphanet 886, MedGen C1848604, MONDO:0010171, OMIM 276904.

Allele frequency attached by ClinVar (database versions not stated): ExAC 0.00002; gnomAD 0.00007 and 0.00008; gnomAD exomes 0.00007.

Submissions (2):

Labcorp Genetics (formerly Invitae), Labcorp
Classification: Uncertain significance. Last evaluated: 2022-07-05. Review status: criteria provided, single submitter. Criteria: Invitae Variant Classification Sherloc (09022015). Collection method: clinical testing. Allele origin: germline.
Comment: The USH1C gene has multiple clinically relevant transcripts. This variant occurs in alternate transcript NM_153676.3, and corresponds to NM_005709.3:c.1284+6878_1284+6881delins21 in the primary transcript. This sequence change affects an acceptor splice site in intron 16 of the USH1C gene. It is expected to disrupt RNA splicing. Variants that disrupt the donor or acceptor splice site typically lead to a loss of protein function (PMID: 16199547), however the current clinical and genetic evidence is not sufficient to establish whether loss-of-function variants in USH1C cause disease. This variant is present in population databases (rs769675063, gnomAD 0.008%). This variant has not been reported in the literature in individuals affected with USH1C-related conditions. ClinVar contains an entry for this variant (Variation ID: 556943). Experimental studies and prediction algorithms are not available or were not evaluated, and the functional significance of this variant is currently unknown. Algorithms developed to predict the effect of sequence changes on RNA splicing suggest that this variant is not likely to affect RNA splicing. In summary, the available evidence is currently insufficient to determine the role of this variant in disease. Therefore, it has been classified as a Variant of Uncertain Significance.

Counsyl
Classification: Uncertain significance for Usher syndrome type 1C; Autosomal recessive nonsyndromic hearing loss 18A. Last evaluated: 2018-02-27. Review status: no assertion criteria provided. Collection method: clinical testing. Allele origin: unknown. Not counted in ClinVar's aggregate classification.

Literature cited by the submitters: PubMed 16199547 (cited by Labcorp Genetics (formerly Invitae), Labcorp).

NM_153676.4(USH1C):c.1414-2_1414-1insCTG

Gene: USH1C (USH1 protein network component harmonin; minus strand). Cytogenetic location: 11p15.1.
Variant type: Insertion.
Coding change: c.1414-2_1414-1insCTG on transcript NM_153676.4 (MANE Select); the canonical splice acceptor site of the intron before coding-DNA position 1414, CTG inserted.
Molecular consequence: splice acceptor variant. On other transcripts: intron variant (2).
Genome position: GRCh38 VCF-style: chr11-17510522-C-CCAG. GRCh37 (hg19) VCF-style: chr11-17532069-C-CCAG.
Other names: c.1227+6878_1227+6879insCTG (NM_001297764.2); c.1284+6878_1284+6879insCTG (NM_005709.4).
Identifiers: ClinVar variation 556943 (VCV000556943.4), dbSNP rs769675063, ClinGen allele CA5904561.